The following is an entry in ClinVar:

NM_001563.4(IMPG1):c.448C>T (p.His150Tyr)

Gene: IMPG1 (interphotoreceptor matrix proteoglycan 1; minus strand). Cytogenetic location: 6q14.1.
Variant type: single nucleotide variant.
Coding change: c.448C>T on transcript NM_001563.4 (MANE Select); coding-DNA position 448, C replaced by T.
Protein change: p.His150Tyr; replaces histidine 150 with tyrosine.
Molecular consequence: missense variant.
Genome position (GRCh38, 1-based): chr6:76,034,641, G>A on the plus strand (C>T on the coding strand, the complement: IMPG1 is on the minus strand). VCF-style: chr6-76034641-G-A. GRCh37 (hg19) VCF-style: chr6-76744358-G-A.
Other names: c.448C>T (NM_001563.3); c.214C>T, p.His72Tyr (NM_001282368.2); short protein forms H150Y, H72Y.
Identifiers: ClinVar variation 1011548 (VCV001011548.8), dbSNP rs773748289, ClinGen allele CA3898535.

ClinVar aggregate classification (germline): Uncertain significance. Review status: criteria provided, multiple submitters, no conflicts (2 of 4 stars). 3 submissions from 3 submitters: Uncertain significance (3). Last evaluated 2026-07-14.

Conditions:
IMPG1-related disorder. Also called: IMPG1-related condition.

Allele frequency attached by ClinVar (database versions not stated): gnomAD 0.00003; gnomAD exomes 0.00003 and 0.00012; TOPMed 0.00005; ExAC 0.00015.

Submissions (3):

PreventionGenetics, part of Exact Sciences
Classification: Uncertain significance for IMPG1-related condition. Last evaluated: 2026-07-14. Review status: criteria provided, single submitter. Criteria: ACMG Guidelines, 2015. Collection method: clinical testing. Allele origin: germline.
Comment: The IMPG1 c.448C>T variant is predicted to result in the amino acid substitution p.His150Tyr. To our knowledge, this variant has not been reported in the literature. This variant is reported in 0.068% of alleles in individuals of Latino descent in gnomAD, including one homozygote. At this time, the clinical significance of this variant is uncertain due to the absence of conclusive functional and genetic evidence.

Labcorp Genetics (formerly Invitae), Labcorp
Classification: Uncertain significance. Last evaluated: 2025-11-27. Review status: criteria provided, single submitter. Criteria: Invitae Variant Classification Sherloc (09022015). Collection method: clinical testing. Allele origin: germline.
Comment: This sequence change replaces histidine, which is basic and polar, with tyrosine, which is neutral and polar, at codon 150 of the IMPG1 protein (p.His150Tyr). This variant is present in population databases (rs773748289, gnomAD 0.07%). This variant has not been reported in the literature in individuals affected with IMPG1-related conditions. ClinVar contains an entry for this variant (Variation ID: 1011548). An algorithm developed to predict the effect of missense changes on protein structure and function (PolyPhen-2) suggests that this variant is likely to be disruptive. In summary, the available evidence is currently insufficient to determine the role of this variant in disease. Therefore, it has been classified as a Variant of Uncertain Significance.

Blueprint Genetics
Classification: Uncertain significance. Last evaluated: 2022-11-03. Review status: criteria provided, single submitter. Criteria: ACMG Guidelines, 2015. Collection method: clinical testing. Allele origin: germline.